The following is an entry in ClinVar:

NM_006939.4(SOS2):c.3075+7C>T

Gene: SOS2 (SOS Ras/Rho guanine nucleotide exchange factor 2; minus strand). Cytogenetic location: 14q21.3.
Variant type: single nucleotide variant.
Coding change: c.3075+7C>T on transcript NM_006939.4 (MANE Select); 7 bases into the intron after coding-DNA position 3075, C replaced by T.
Molecular consequence: intron variant.
Genome position (GRCh38, 1-based): chr14:50,134,116, G>A on the plus strand (C>T on the coding strand, the complement: SOS2 is on the minus strand). VCF-style: chr14-50134116-G-A. GRCh37 (hg19) VCF-style: chr14-50600834-G-A.
Other names: p.?.
Identifiers: ClinVar variation 384712 (VCV000384712.63), dbSNP rs144391749, ClinGen allele CA7176887.

ClinVar aggregate classification (germline): Benign/Likely benign. Review status: criteria provided, multiple submitters, no conflicts (2 of 4 stars). 12 submissions from 12 submitters: Benign (9); Likely benign (1). 2 of the submissions do not count toward it. Last evaluated 2026-09-01.

Conditions:
Noonan syndrome 9 (NS9). Identifiers: Orphanet 648, MedGen C4225282, MONDO:0014691, OMIM 616559.
Noonan syndrome and Noonan-related syndrome. Identifiers: Orphanet 98733, MedGen C5681679, MONDO:0020297.

Allele frequency attached by ClinVar (database versions not stated): 1000 Genomes Project 30x 0.00453; 1000 Genomes Project 0.00499; gnomAD 0.00737 and 0.00743; TOPMed 0.00792; ESP Exome Variant Server 0.00831; gnomAD exomes 0.00849; ExAC 0.00871.
gnomAD v4.1: 12,726 of 1,309,156 alleles (0.97%); highest among the groups gnomAD compares: Middle Eastern, 2.3%; 84 homozygotes.

Submissions (12):

CeGaT Center for Human Genetics Tuebingen
Classification: Benign. Last evaluated: 2026-09-01. Review status: criteria provided, single submitter. Criteria: CeGaT Center For Human Genetics Tuebingen Variant Classification Criteria Version 2. Collection method: clinical testing. Allele origin: germline. Affected: yes. Observed: 47 variant alleles.
Comment: SOS2: BP4, BS1, BS2

Labcorp Genetics (formerly Invitae), Labcorp
Classification: Benign for Noonan syndrome 9. Last evaluated: 2026-02-03. Review status: criteria provided, single submitter. Criteria: Invitae Variant Classification Sherloc (09022015). Collection method: clinical testing. Allele origin: germline.

Blueprint Genetics
Classification: Likely benign. Last evaluated: 2024-11-26. Review status: criteria provided, single submitter. Criteria: ACMG Guidelines, 2015. Collection method: clinical testing. Allele origin: germline.

ARUP Laboratories, Molecular Genetics and Genomics, ARUP Laboratories
Classification: Benign for Noonan syndrome 9. Last evaluated: 2023-08-23. Review status: criteria provided, single submitter. Criteria: ARUP Molecular Germline Variant Investigation Process 2024. Collection method: clinical testing. Allele origin: germline.

Mayo Clinic Laboratories, Mayo Clinic
Classification: Benign. Last evaluated: 2023-01-16. Review status: criteria provided, single submitter. Criteria: ACMG Guidelines, 2015. Collection method: clinical testing. Allele origin: germline. Observed: 21 variant alleles.
Comment: BA1, BP4, BP7

Genome Diagnostics Laboratory, The Hospital for Sick Children
Classification: Benign for Noonan syndrome and Noonan-related syndrome. Last evaluated: 2021-05-28. Review status: criteria provided, single submitter. Criteria: ACMG Guidelines, 2015. Collection method: clinical testing. Allele origin: germline.

Women's Health and Genetics/Laboratory Corporation of America, LabCorp
Classification: Benign. Last evaluated: 2017-04-12. Review status: criteria provided, single submitter. Criteria: LabCorp Variant Classification Summary - May 2015. Collection method: clinical testing. Allele origin: germline.
Comment: Variant summary: The SOS2 c.3075+7C>T variant involves the alteration of a non-conserved intronic nucleotide. 5/5 splice prediction tools predict no significant impact on normal splicing. This variant was found in 1055/121182 control chromosomes (including 7 homozygotes) from ExAC, predominantly observed in the European (Non-Finnish) subpopulation at a frequency of 0.011545 (770/66694). This frequency is about 4618 times the estimated maximal expected allele frequency of a pathogenic SOS2 variant (0.0000025), suggesting this is likely a benign polymorphism found primarily in the populations of European (Non-Finnish) origin. One clinical diagnostic laboratory has classified this variant as benign. The variant of interest has not, to our knowledge, been reported in literature. Taken together, this variant is classified as Benign.

GeneDx
Classification: Benign. Last evaluated: 2016-11-17. Review status: criteria provided, single submitter. Criteria: GeneDx Variant Classification (06012015). Collection method: clinical testing. Allele origin: germline. Affected: yes.
Comment: This variant is considered likely benign or benign based on one or more of the following criteria: it is a conservative change, it occurs at a poorly conserved position in the protein, it is predicted to be benign by multiple in silico algorithms, and/or has population frequency not consistent with disease.

Breakthrough Genomics
Classification: Benign. Review status: criteria provided, single submitter. Criteria: ACMG Guidelines, 2015. Collection method: not provided. Allele origin: germline. Inheritance: Autosomal dominant inheritance. Affected: yes.

Genome-Nilou Lab
Classification: Benign for Noonan syndrome 9. Review status: criteria provided, single submitter. Criteria: ACMG Guidelines, 2015. Collection method: clinical testing. Allele origin: germline.

Clinical Genetics, Academic Medical Center
Classification: Benign. Review status: no assertion criteria provided. Collection method: clinical testing. Allele origin: germline. Affected: yes. Study: VKGL Data-share Consensus. Not counted in ClinVar's aggregate classification.

Joint Genome Diagnostic Labs from Nijmegen and Maastricht, Radboudumc and MUMC+
Classification: Benign. Review status: no assertion criteria provided. Collection method: clinical testing. Allele origin: germline. Affected: yes. Study: VKGL Data-share Consensus. Not counted in ClinVar's aggregate classification.